The following is an entry in ClinVar:

NM_018263.6(ASXL2):c.821C>G (p.Pro274Arg)

Gene: ASXL2 (ASXL transcriptional regulator 2; minus strand). Cytogenetic location: 2p23.3.
Variant type: single nucleotide variant.
Coding change: c.821C>G on transcript NM_018263.6 (MANE Select); coding-DNA position 821, C replaced by G.
Protein change: p.Pro274Arg; replaces proline 274 with arginine.
Molecular consequence: missense variant.
Genome position (GRCh38, 1-based): chr2:25,759,600, G>C on the plus strand (C>G on the coding strand, the complement: ASXL2 is on the minus strand). VCF-style: chr2-25759600-G-C. GRCh37 (hg19) VCF-style: chr2-25982469-G-C.
Other names: c.647C>G, p.Pro216Arg (NM_001369346.1); c.41C>G, p.Pro14Arg (NM_001369347.1); short protein forms P14R, P216R, P274R.
Identifiers: ClinVar variation 3893595 (VCV003893595.1).
Genomic context (GRCh38, chr2:25,759,600, plus strand): 5'-ACTGAAAATGTGTGCTTGTTGATCAGTGCTCGCAGATTTGTATTAACCAGAATGGAGTCC[G>C]GTGTCTCAACGTCAATGTCAGCACATTTAGTTCTTTTCATTTGTCCTACAAAAACAGAGA-3'
Protein context (NP_060733.4, residues 264-284): TKCADIDVET[Pro274Arg]DSILVNTNLR

ClinVar aggregate classification (germline): Uncertain significance (1 of 4 stars; one submission).

Submission:

GeneDx
Classification: Uncertain significance. Last evaluated: 2024-10-24. Review status: criteria provided, single submitter. Criteria: GeneDx Variant Classification Process June 2021. Collection method: clinical testing. Allele origin: germline. Affected: yes.
Comment: Not observed at significant frequency in large population cohorts (gnomAD); In silico analysis supports that this missense variant has a deleterious effect on protein structure/function; Has not been previously published as pathogenic or benign to our knowledge